The following is an entry in ClinVar:

ClinVar aggregate classification (germline): Likely pathogenic (1 of 4 stars; one submission).

Conditions:
RLBP1-related disorder. Also called: RLBP1-related condition; RLBP1-related disorders. Identifiers: MedGen CN239413.

Submission:

PreventionGenetics, part of Exact Sciences
Classification: Likely pathogenic for RLBP1-related condition. Last evaluated: 2023-05-20. Review status: criteria provided, single submitter. Criteria: ACMG Guidelines, 2015. Collection method: clinical testing. Allele origin: germline.
Comment: The RLBP1 c.462T>A variant is predicted to result in premature protein termination (p.Tyr154*). To our knowledge, this variant has not been reported in the literature or in a large population database, indicating this variant is rare. Nonsense variants in RLBP1 are expected to be pathogenic. This variant is interpreted as likely pathogenic.

NM_000326.5(RLBP1):c.462T>A (p.Tyr154Ter)

Gene: RLBP1 (retinaldehyde binding protein 1; minus strand). Cytogenetic location: 15q26.1.
Variant type: single nucleotide variant.
Coding change: c.462T>A on transcript NM_000326.5 (MANE Select); coding-DNA position 462, T replaced by A.
Protein change: p.Tyr154Ter; replaces tyrosine 154 with a stop codon.
Molecular consequence: nonsense.
Genome position (GRCh38, 1-based): chr15:89,215,123, A>T on the plus strand (T>A on the coding strand, the complement: RLBP1 is on the minus strand). VCF-style: chr15-89215123-A-T. GRCh37 (hg19) VCF-style: chr15-89758354-A-T.
Other names: short protein forms Y154*.
Identifiers: ClinVar variation 2632530 (VCV002632530.1), dbSNP rs2051568716, ClinGen allele CA393729779.